The following is an entry in ClinVar:

ClinVar aggregate classification (germline): Conflicting classifications of pathogenicity. Review status: criteria provided, conflicting classifications (1 of 4 stars). 5 submissions from 5 submitters: Uncertain significance (3); Likely benign (1). 1 of the submissions does not count toward it. Last evaluated 2025-03-30.

Conditions:
Hereditary cancer-predisposing syndrome. Also called: Tumor predisposition; Hereditary neoplastic syndrome; Hereditary Cancer Syndrome; Neoplastic Syndromes, Hereditary. Identifiers: Orphanet 140162, MedGen C0027672, MeSH D009386, MONDO:0015356.
Ataxia-telangiectasia syndrome (AT). Also called: LOUIS-BAR SYNDROME; Ataxia-telangiectasia, complementation group E; Ataxia telangiectasia (A-T); Cerebello-oculocutaneous telangiectasia; Immunodeficiency with ataxia telangiectasia; Ataxia-telangiectasia, complementation group D. Identifiers: Orphanet 100, MedGen C0004135, MONDO:0008840, OMIM 208900.

Allele frequency attached by ClinVar (database versions not stated): gnomAD exomes below 0.00001.
gnomAD v4.1: 1 of 1,614,006 alleles (0.000062%); highest among the groups gnomAD compares: Non-Finnish European, 0.000085%; no homozygotes.

Submissions (5):

Labcorp Genetics (formerly Invitae), Labcorp
Classification: Uncertain significance for Ataxia-telangiectasia syndrome. Last evaluated: 2025-03-30. Review status: criteria provided, single submitter. Criteria: Invitae Variant Classification Sherloc (09022015). Collection method: clinical testing. Allele origin: germline.
Comment: This sequence change replaces serine, which is neutral and polar, with asparagine, which is neutral and polar, at codon 1281 of the ATM protein (p.Ser1281Asn). This variant is not present in population databases (gnomAD no frequency). This variant has not been reported in the literature in individuals affected with ATM-related conditions. ClinVar contains an entry for this variant (Variation ID: 424993). Invitae Evidence Modeling of protein sequence and biophysical properties (such as structural, functional, and spatial information, amino acid conservation, physicochemical variation, residue mobility, and thermodynamic stability) indicates that this missense variant is not expected to disrupt ATM protein function with a negative predictive value of 95%. In summary, the available evidence is currently insufficient to determine the role of this variant in disease. Therefore, it has been classified as a Variant of Uncertain Significance.

Ambry Genetics
Classification: Likely benign for Hereditary cancer-predisposing syndrome. Last evaluated: 2024-09-06. Review status: criteria provided, single submitter. Criteria: Ambry Variant Classification Scheme 2023. Collection method: clinical testing. Allele origin: germline.

Color Diagnostics, LLC DBA Color Health
Classification: Uncertain significance for Hereditary cancer-predisposing syndrome. Last evaluated: 2018-12-15. Review status: criteria provided, single submitter. Criteria: ACMG Guidelines, 2015. Collection method: clinical testing. Allele origin: germline.

CeGaT Center for Human Genetics Tuebingen
Classification: Uncertain significance. Last evaluated: 2016-09-01. Review status: criteria provided, single submitter. Criteria: CeGaT Center For Human Genetics Tuebingen Variant Classification Criteria Version 2. Collection method: clinical testing. Allele origin: germline. Affected: yes. Observed: 1 variant allele.

Natera, Inc.
Classification: Uncertain significance for Ataxia-telangiectasia. Last evaluated: 2021-07-26. Review status: no assertion criteria provided. Collection method: clinical testing. Allele origin: germline. Not counted in ClinVar's aggregate classification.

NM_000051.4(ATM):c.3842G>A (p.Ser1281Asn)

Gene: ATM (ATM serine/threonine kinase; plus strand). Cytogenetic location: 11q22.3.
Variant type: single nucleotide variant.
Coding change: c.3842G>A on transcript NM_000051.4 (MANE Select); coding-DNA position 3842, G replaced by A.
Protein change: p.Ser1281Asn; replaces serine 1281 with asparagine.
Molecular consequence: missense variant.
Genome position (GRCh38, 1-based): chr11:108,284,322, G>A. VCF-style: chr11-108284322-G-A. GRCh37 (hg19) VCF-style: chr11-108155049-G-A.
Other names: c.3842G>A, p.Ser1281Asn (NM_001351834.2); short protein forms S1281N.
Identifiers: ClinVar variation 424993 (VCV000424993.55), dbSNP rs1064797161, ClinGen allele CA16621627.
Genomic context (GRCh38, chr11:108,284,322, plus strand): 5'-TTAGAAGTCATTTTGATGAGGTGAAGTCCATTGCTAATCAGATTCAAGAGGACTGGAAAA[G>A]TCTTCTAACAGACTGCTTTCCAAAGATTCTTGTAAATATTCTTCCTTATTTTGCCTATGA-3'
Protein context (NP_000042.3, residues 1271-1291): IANQIQEDWK[Ser1281Asn]LLTDCFPKIL